The following is an entry in ClinVar:

NM_001128178.3(NPHP1):c.812_813insA (p.Pro272fs)

Gene: NPHP1 (nephrocystin 1; minus strand). Cytogenetic location: 2q13.
Variant type: Insertion.
Coding change: c.812_813insA on transcript NM_001128178.3 (MANE Select); coding-DNA positions 812 to 813, A inserted.
Protein change: p.Pro272fs; shifts the reading frame from proline 272.
Molecular consequence: frameshift variant.
Genome position: GRCh38 VCF-style: chr2-110163094-A-AT. GRCh37 (hg19) VCF-style: chr2-110920671-A-AT.
Other names: c.980_981insA, p.Pro328fs (NM_000272.5); c.623_624insA, p.Pro209fs (NM_001128179.3); c.809_810insA, p.Pro271fs (NM_001374256.1); c.812_813insA, p.Pro272fs (NM_001374257.1); c.977_978insA, p.Pro327fs (NM_207181.4); short protein forms P327fs, P272fs, P209fs, P271fs, P328fs.
Identifiers: ClinVar variation 1415124 (VCV001415124.6), dbSNP rs2104553788, ClinGen allele CA2573133015.

ClinVar aggregate classification (germline): Pathogenic (1 of 4 stars; one submission).

Conditions:
Nephronophthisis. Also called: Juvenile Nephronophthisis. Identifiers: Orphanet 655, MedGen C0687120, MONDO:0019005, HP:0000090.

Submission:

Labcorp Genetics (formerly Invitae), Labcorp
Classification: Pathogenic for Nephronophthisis. Last evaluated: 2021-02-26. Review status: criteria provided, single submitter. Criteria: Invitae Variant Classification Sherloc (09022015). Collection method: clinical testing. Allele origin: germline.
Comment: For these reasons, this variant has been classified as Pathogenic. This variant has not been reported in the literature in individuals with NPHP1-related conditions. This variant is not present in population databases (ExAC no frequency). This sequence change creates a premature translational stop signal (p.Pro328Serfs*49) in the NPHP1 gene. It is expected to result in an absent or disrupted protein product. Loss-of-function variants in NPHP1 are known to be pathogenic (PMID: 23559409).

Literature cited by the submitters: PubMed 23559409.